The following is an entry in ClinVar:

ClinVar aggregate classification (germline): Likely benign. Review status: criteria provided, multiple submitters, no conflicts (2 of 4 stars). 2 submissions from 2 submitters: Likely benign (2). Last evaluated 2023-12-01.

Conditions:
Cardiomyopathy (CMYO). Also called: Cardiomyopathies. Identifiers: Orphanet 167848, MedGen C0878544, MONDO:0004994, HP:0001638. Inheritance: Various modes of inheritance.
Hypertrophic cardiomyopathy. Also called: HYPERTROPHIC MYOCARDIOPATHY. Identifiers: Orphanet 217569, MedGen C0007194, MeSH D002312, MONDO:0005045, HP:0001639.

Allele frequency attached by ClinVar (database versions not stated): gnomAD exomes below 0.00001; TOPMed below 0.00001; gnomAD 0.00001.
gnomAD v4.1: 6 of 1,614,116 alleles (0.00037%); highest among the groups gnomAD compares: East Asian, 0.0022%; no homozygotes.

Submissions (2):

All of Us Research Program, National Institutes of Health
Classification: Likely benign for Hypertrophic cardiomyopathy. Last evaluated: 2023-12-01. Review status: criteria provided, single submitter. Criteria: ACMG Guidelines, 2015. Collection method: clinical testing. Allele origin: germline. Inheritance: Autosomal dominant inheritance. Observed: 2 variant alleles, 2 heterozygotes.
Comment: This study involves interpretation of variants in research participants for the purpose of population health screening. Participant phenotype was not available at the time of variant classification. Additional details can be found in publication PMID: 35346344, PMCID: PMC8962531

Color Diagnostics, LLC DBA Color Health
Classification: Likely benign for Cardiomyopathy. Last evaluated: 2019-02-21. Review status: criteria provided, single submitter. Criteria: ACMG Guidelines, 2015. Collection method: clinical testing. Allele origin: germline.

NM_001018005.2(TPM1):c.507G>C (p.Leu169=)

Gene: TPM1 (tropomyosin 1; plus strand). Cytogenetic location: 15q22.2.
Variant type: single nucleotide variant.
Coding change: c.507G>C on transcript NM_001018005.2 (MANE Select); coding-DNA position 507, G replaced by C.
Protein change: p.Leu169=; no amino-acid change (leucine 169 retained).
Molecular consequence: synonymous variant.
Genome position (GRCh38, 1-based): chr15:63,060,883, G>C. VCF-style: chr15-63060883-G-C. GRCh37 (hg19) VCF-style: chr15-63353082-G-C.
Other names: c.507G>C, p.Leu169= (NM_000366.6, NM_001018004.2, NM_001018006.2 and 6 more transcripts); c.399G>C, p.Leu133= (NM_001018008.2, NM_001301289.2, NM_001330344.2 and 5 more transcripts); c.633G>C, p.Leu211= (NM_001365778.1).
Identifiers: ClinVar variation 927037 (VCV000927037.3), dbSNP rs139663836, ClinGen allele CA490693091.